The following is an entry in ClinVar:

NM_000264.5(PTCH1):c.3541T>C (p.Tyr1181His)

Gene: PTCH1 (patched 1; minus strand). Cytogenetic location: 9q22.32.
Variant type: single nucleotide variant.
Coding change: c.3541T>C on transcript NM_000264.5 (MANE Select); coding-DNA position 3541, T replaced by C.
Protein change: p.Tyr1181His; replaces tyrosine 1181 with histidine.
Molecular consequence: missense variant. On other transcripts: non-coding transcript variant (1).
Genome position (GRCh38, 1-based): chr9:95,449,849, A>G on the plus strand (T>C on the coding strand, the complement: PTCH1 is on the minus strand). VCF-style: chr9-95449849-A-G. GRCh37 (hg19) VCF-style: chr9-98212131-A-G.
Other names: c.3343T>C, p.Tyr1115His (NM_001083602.3); c.3538T>C, p.Tyr1180His (NM_001083603.3); c.3088T>C, p.Tyr1030His (NM_001083604.3, NM_001083605.3, NM_001083606.3 and 1 more transcripts); c.3385T>C, p.Tyr1129His (NM_001354918.2); short protein forms Y1115H, Y1181H, Y1030H, Y1180H, Y1129H.
Identifiers: ClinVar variation 237481 (VCV000237481.13), dbSNP rs367784268, ClinGen allele CA5138123.

ClinVar aggregate classification (germline): Conflicting classifications of pathogenicity. Review status: criteria provided, conflicting classifications (1 of 4 stars). 3 submissions from 3 submitters: Uncertain significance (1); Benign (1); Likely benign (1). Last evaluated 2026-01-30.

Conditions:
Hereditary cancer-predisposing syndrome. Also called: Tumor predisposition; Hereditary Cancer Syndrome; Hereditary neoplastic syndrome; Neoplastic Syndromes, Hereditary. Identifiers: Orphanet 140162, MedGen C0027672, MeSH D009386, MONDO:0015356.
Gorlin syndrome. Also called: Nevoid Basal Cell Carcinoma Syndrome; Basal cell nevus syndrome. Identifiers: Orphanet 377, MedGen C0004779, MONDO:0007187.

Allele frequency attached by ClinVar (database versions not stated): gnomAD exomes below 0.00001 and 0.00001; TOPMed 0.00001; gnomAD 0.00002; ExAC 0.00003; ESP Exome Variant Server 0.00015.
gnomAD v4.1: 4 of 1,612,796 alleles (0.00025%); highest among the groups gnomAD compares: East Asian, 0.0022%; no homozygotes.

Submissions (3):

Labcorp Genetics (formerly Invitae), Labcorp
Classification: Benign for Gorlin syndrome. Last evaluated: 2026-01-30. Review status: criteria provided, single submitter. Criteria: Invitae Variant Classification Sherloc (09022015). Collection method: clinical testing. Allele origin: germline.

GeneDx
Classification: Uncertain significance. Last evaluated: 2023-05-23. Review status: criteria provided, single submitter. Criteria: GeneDx Variant Classification Process June 2021. Collection method: clinical testing. Allele origin: germline. Affected: yes.
Comment: Not observed at significant frequency in large population cohorts (gnomAD); In silico analysis supports that this missense variant does not alter protein structure/function; Has not been previously published as pathogenic or benign to our knowledge; This variant is associated with the following publications: (PMID: 31704974)

Ambry Genetics
Classification: Likely benign for Hereditary cancer-predisposing syndrome. Last evaluated: 2023-02-23. Review status: criteria provided, single submitter. Criteria: Ambry Variant Classification Scheme 2023. Collection method: clinical testing. Allele origin: germline.